The following is an entry in ClinVar:

NM_003239.5(TGFB3):c.275C>A (p.Thr92Asn)

Gene: TGFB3 (transforming growth factor beta 3; minus strand). Cytogenetic location: 14q24.3.
Variant type: single nucleotide variant.
Coding change: c.275C>A on transcript NM_003239.5 (MANE Select); coding-DNA position 275, C replaced by A.
Protein change: p.Thr92Asn; replaces threonine 92 with asparagine.
Molecular consequence: missense variant.
Genome position (GRCh38, 1-based): chr14:75,980,619, G>T on the plus strand (C>A on the coding strand, the complement: TGFB3 is on the minus strand). VCF-style: chr14-75980619-G-T. GRCh37 (hg19) VCF-style: chr14-76446962-G-T.
Other names: c.275C>A, p.Thr92Asn (NM_001329938.2, NM_001329939.2); short protein forms T92N.
Identifiers: ClinVar variation 1795657 (VCV001795657.2), dbSNP rs2140254225, ClinGen allele CA390471123.

ClinVar aggregate classification (germline): Uncertain significance (1 of 4 stars; one submission).

Conditions:
Familial thoracic aortic aneurysm and aortic dissection (TAAD). Also called: Thoracic aortic aneurysms and dissections. Identifiers: Orphanet 91387, MedGen C4707243, MONDO:0019625.

Submission:

Ambry Genetics
Classification: Uncertain significance for Familial thoracic aortic aneurysm and aortic dissection. Last evaluated: 2017-12-28. Review status: criteria provided, single submitter. Criteria: Ambry Variant Classification Scheme 2023. Collection method: clinical testing. Allele origin: germline.
Comment: The p.T92N variant (also known as c.275C>A), located in coding exon 1 of the TGFB3 gene, results from a C to A substitution at nucleotide position 275. The threonine at codon 92 is replaced by asparagine, an amino acid with similar properties. This amino acid position is not well conserved in available vertebrate species. In addition, this alteration is predicted to be tolerated by in silico analysis. Since supporting evidence is limited at this time, the clinical significance of this alteration remains unclear.